The following is an entry in ClinVar:

ClinVar aggregate classification (germline): Benign/Likely benign. Review status: criteria provided, multiple submitters, no conflicts (2 of 4 stars). 8 submissions from 8 submitters: Benign (6); Likely benign (2). Last evaluated 2026-02-01.

Conditions:
Autoinflammatory syndrome. Identifiers: Orphanet 93665, MedGen C3890737, MONDO:0019751.
Hermansky-Pudlak syndrome 2 (HPS2). Also called: Platelet defects and oculocutaneous albinism. Identifiers: Orphanet 183678, Orphanet 79430, MedGen C1842362, MONDO:0011997, OMIM 608233.

Allele frequency attached by ClinVar (database versions not stated): gnomAD exomes 0.00143 and 0.00383; ExAC 0.00500; gnomAD 0.01425 and 0.01507; TOPMed 0.01639; 1000 Genomes Project 30x 0.01640; 1000 Genomes Project 0.01737; ESP Exome Variant Server 0.01738.
gnomAD v4.1: 4,348 of 1,614,056 alleles (0.27%); highest among the groups gnomAD compares: African/African-American, 5%; 108 homozygotes.

Submissions (8):

Labcorp Genetics (formerly Invitae), Labcorp
Classification: Benign for Hermansky-Pudlak syndrome 2. Last evaluated: 2026-02-01. Review status: criteria provided, single submitter. Criteria: Invitae Variant Classification Sherloc (09022015). Collection method: clinical testing. Allele origin: germline.

Mayo Clinic Laboratories, Mayo Clinic
Classification: Benign. Last evaluated: 2023-11-02. Review status: criteria provided, single submitter. Criteria: ACMG Guidelines, 2015. Collection method: clinical testing. Allele origin: germline. Observed: 50 variant alleles.

Genome Diagnostics Laboratory, The Hospital for Sick Children
Classification: Benign for Autoinflammatory syndrome. Last evaluated: 2019-12-01. Review status: criteria provided, single submitter. Criteria: ACMG Guidelines, 2015. Collection method: clinical testing. Allele origin: germline. Affected: yes.

GeneDx
Classification: Benign. Last evaluated: 2018-12-24. Review status: criteria provided, single submitter. Criteria: GeneDx Variant Classification (06012015). Collection method: clinical testing. Allele origin: germline. Affected: yes.

Illumina Laboratory Services, Illumina
Classification: Likely benign for Hermansky-Pudlak syndrome 2. Last evaluated: 2017-04-28. Review status: criteria provided, single submitter. Criteria: ICSL Variant Classification Criteria 13 December 2019. Collection method: clinical testing. Allele origin: germline.
Comment: This variant was observed as part of a predisposition screen in an ostensibly healthy population. A literature search was performed for the gene, cDNA change, and amino acid change (where applicable). No publications were found based on this search. Allele frequency data from public databases allowed determination this variant is unlikely to cause disease. Therefore, this variant is classified as likely benign.

Laboratory for Molecular Medicine, Mass General Brigham Personalized Medicine
Classification: Benign. Last evaluated: 2013-02-21. Review status: criteria provided, single submitter. Criteria: LMM Criteria. Collection method: clinical testing. Allele origin: germline. Observed: 3 variant alleles.
Comment: Leu229Leu in exon 7 of AP3B1: This variant is not expected to have clinical sign ificance because it does not alter an amino acid residue and is not located with in the splice consensus sequence. It has been identified in 5.0% (221/4406) of A frican American chromosomes from a broad population by the NHLBI Exome Sequencin g Project (dbSNP rs35496909).

Breakthrough Genomics
Classification: Likely benign. Review status: criteria provided, single submitter. Criteria: ACMG Guidelines, 2015. Collection method: not provided. Allele origin: germline. Inheritance: Autosomal recessive inheritance. Affected: yes.

PreventionGenetics, part of Exact Sciences
Classification: Benign. Review status: criteria provided, single submitter. Criteria: ACMG Guidelines, 2015. Collection method: clinical testing. Allele origin: germline.

NM_003664.5(AP3B1):c.687A>G (p.Leu229=)

Gene: AP3B1 (adaptor related protein complex 3 subunit beta 1; minus strand). Cytogenetic location: 5q14.1.
Variant type: single nucleotide variant.
Coding change: c.687A>G on transcript NM_003664.5 (MANE Select); coding-DNA position 687, A replaced by G.
Protein change: p.Leu229=; no amino-acid change (leucine 229 retained).
Molecular consequence: synonymous variant.
Genome position (GRCh38, 1-based): chr5:78,216,154, T>C on the plus strand (A>G on the coding strand, the complement: AP3B1 is on the minus strand). VCF-style: chr5-78216154-T-C. GRCh37 (hg19) VCF-style: chr5-77511978-T-C.
Other names: p.Leu229=; c.540A>G, p.Leu180= (NM_001271769.2).
Identifiers: ClinVar variation 226461 (VCV000226461.25), dbSNP rs35496909, ClinGen allele CA3317305.